The following is an entry in ClinVar:

NM_007294.4(BRCA1):c.1072C>G (p.Leu358Val)

Gene: BRCA1 (BRCA1 DNA repair associated; minus strand). Cytogenetic location: 17q21.31.
Variant type: single nucleotide variant.
Coding change: c.1072C>G on transcript NM_007294.4 (MANE Select); coding-DNA position 1072, C replaced by G.
Protein change: p.Leu358Val; replaces leucine 358 with valine.
Molecular consequence: missense variant. On other transcripts: intron variant (137).
Genome position (GRCh38, 1-based): chr17:43,094,459, G>C on the plus strand (C>G on the coding strand, the complement: BRCA1 is on the minus strand). VCF-style: chr17-43094459-G-C. GRCh37 (hg19) VCF-style: chr17-41246476-G-C.
Other names: c.808C>G, p.Leu270Val (NM_001407921.1, NM_001407922.1, NM_001407923.1 and 9 more transcripts); c.805C>G, p.Leu269Val (NM_001407930.1, NM_001407931.1, NM_001407932.1 and 2 more transcripts); c.949C>G, p.Leu317Val (NM_001407937.1, NM_001407938.1, NM_001407939.1 and 19 more transcripts); c.946C>G, p.Leu316Val (NM_001407940.1, NM_001407941.1, NM_001407649.1 and 11 more transcripts); c.931C>G, p.Leu311Val (NM_001407942.1, NM_001407944.1, NM_001407945.1 and 29 more transcripts); c.928C>G, p.Leu310Val (NM_001407943.1, NM_001407964.1, NM_001407740.1 and 20 more transcripts); c.739C>G, p.Leu247Val (NM_001407946.1, NM_001407947.1, NM_001407948.1 and 6 more transcripts); c.736C>G, p.Leu246Val (NM_001407954.1, NM_001407955.1, NM_001407956.1 and 1 more transcripts); and 40 more; short protein forms L230V, L291V, L355V, L357V, L62V, L231V, L290V, L310V.
Identifiers: ClinVar variation 2585832 (VCV002585832.2), dbSNP rs377310179, ClinGen allele CA10599912.

ClinVar aggregate classification (germline): Uncertain significance (1 of 4 stars; one submission).

Conditions:
Hereditary cancer-predisposing syndrome. Also called: Hereditary neoplastic syndrome; Tumor predisposition; Hereditary Cancer Syndrome; Neoplastic Syndromes, Hereditary. Identifiers: Orphanet 140162, MedGen C0027672, MeSH D009386, MONDO:0015356.

Submission:

Ambry Genetics
Classification: Uncertain significance for Hereditary cancer-predisposing syndrome. Last evaluated: 2023-07-12. Review status: criteria provided, single submitter. Criteria: Ambry Variant Classification Scheme 2023. Collection method: clinical testing. Allele origin: germline.
Comment: The p.L358V variant (also known as c.1072C>G), located in coding exon 9 of the BRCA1 gene, results from a C to G substitution at nucleotide position 1072. The leucine at codon 358 is replaced by valine, an amino acid with highly similar properties. This amino acid position is conserved. In addition, the in silico prediction for this alteration is inconclusive. Since supporting evidence is limited at this time, the clinical significance of this alteration remains unclear.